The following is an entry in ClinVar:

NM_000256.3(MYBPC3):c.3491-14C>A

Gene: MYBPC3 (myosin binding protein C3; minus strand). Cytogenetic location: 11p11.2.
Variant type: single nucleotide variant.
Coding change: c.3491-14C>A on transcript NM_000256.3 (MANE Select); 14 bases into the intron before coding-DNA position 3491, C replaced by A.
Molecular consequence: intron variant.
Genome position (GRCh38, 1-based): chr11:47,332,716, G>T on the plus strand (C>A on the coding strand, the complement: MYBPC3 is on the minus strand). VCF-style: chr11-47332716-G-T. GRCh37 (hg19) VCF-style: chr11-47354267-G-T.
Identifiers: ClinVar variation 924123 (VCV000924123.10), dbSNP rs1380147625, ClinGen allele CA599374161.
Genomic context (GRCh38, chr11:47,332,716, plus strand): 5'-CTCGGAGAAGTCCAGGGCCTTATAGTTGGGTGGCTCATAGGTGATGCCTGTTGGTGACAG[G>T]ACTTGGTACCGAGAGGGCCACACAAAGCTAGGCCCCTCTCCCTGTTCCCACAGCCTCCCT-3'

ClinVar aggregate classification (germline): Conflicting classifications of pathogenicity. Review status: criteria provided, conflicting classifications (1 of 4 stars). 2 submissions from 2 submitters: Uncertain significance (1); Likely benign (1). Last evaluated 2021-10-15.

Conditions:
Hypertrophic cardiomyopathy. Also called: HYPERTROPHIC MYOCARDIOPATHY. Identifiers: Orphanet 217569, MedGen C0007194, MeSH D002312, MONDO:0005045, HP:0001639.
Cardiomyopathy (CMYO). Also called: Cardiomyopathies. Identifiers: Orphanet 167848, MedGen C0878544, MONDO:0004994, HP:0001638. Inheritance: Various modes of inheritance.

Allele frequency attached by ClinVar (database versions not stated): TOPMed below 0.00001; gnomAD exomes 0.00001.
gnomAD v4.1: 11 of 1,601,394 alleles (0.00069%); highest among the groups gnomAD compares: African/African-American, 0.0013%; no homozygotes.

Submissions (2):

Labcorp Genetics (formerly Invitae), Labcorp
Classification: Likely benign for Hypertrophic cardiomyopathy. Last evaluated: 2021-10-15. Review status: criteria provided, single submitter. Criteria: Invitae Variant Classification Sherloc (09022015). Collection method: clinical testing. Allele origin: germline.

Color Diagnostics, LLC DBA Color Health
Classification: Uncertain significance for Cardiomyopathy. Last evaluated: 2019-03-24. Review status: criteria provided, single submitter. Criteria: ACMG Guidelines, 2015. Collection method: clinical testing. Allele origin: germline.
Comment: Variant of Uncertain Significance due to insufficient evidence: This variant is located in intron 31 of the MYBPC3 gene. Computational splicing tools are inconclusive regarding the impact of this variant on RNA splicing. To our knowledge, functional assays have not been performed for this variant nor has this variant been reported in individuals affected with cardiovascular disorders in the literature. This variant has been identified in 2/223670 chromosomes in the general population by the Genome Aggregation Database (gnomAD). Available evidence is insufficient to determine the role of this variant in disease conclusively.